The following is an entry in ClinVar:

NM_006361.6(HOXB13):c.473C>G (p.Pro158Arg)

Gene: HOXB13 (homeobox B13; minus strand). Cytogenetic location: 17q21.32.
Variant type: single nucleotide variant.
Coding change: c.473C>G on transcript NM_006361.6 (MANE Select); coding-DNA position 473, C replaced by G.
Protein change: p.Pro158Arg; replaces proline 158 with arginine.
Molecular consequence: missense variant.
Genome position (GRCh38, 1-based): chr17:48,728,121, G>C on the plus strand (C>G on the coding strand, the complement: HOXB13 is on the minus strand). VCF-style: chr17-48728121-G-C. GRCh37 (hg19) VCF-style: chr17-46805483-G-C.
Other names: short protein forms P158R.
Identifiers: ClinVar variation 825135 (VCV000825135.10), dbSNP rs1555558598, ClinGen allele CA400107382.

ClinVar aggregate classification (germline): Uncertain significance. Review status: criteria provided, multiple submitters, no conflicts (2 of 4 stars). 3 submissions from 3 submitters: Uncertain significance (3). Last evaluated 2025-09-25.

Conditions:
Hereditary cancer-predisposing syndrome. Also called: Neoplastic Syndromes, Hereditary; Tumor predisposition; Hereditary neoplastic syndrome; Hereditary Cancer Syndrome. Identifiers: Orphanet 140162, MedGen C0027672, MeSH D009386, MONDO:0015356.

gnomAD v4.1: 3 of 1,614,184 alleles (0.00019%); highest among the groups gnomAD compares: South Asian, 0.0011%; no homozygotes.

Submissions (3):

Ambry Genetics
Classification: Uncertain significance for Hereditary cancer-predisposing syndrome. Last evaluated: 2025-09-25. Review status: criteria provided, single submitter. Criteria: Ambry Variant Classification Scheme 2023. Collection method: clinical testing. Allele origin: germline.

Labcorp Genetics (formerly Invitae), Labcorp
Classification: Uncertain significance. Last evaluated: 2024-11-24. Review status: criteria provided, single submitter. Criteria: Invitae Variant Classification Sherloc (09022015). Collection method: clinical testing. Allele origin: germline.
Comment: This sequence change replaces proline, which is neutral and non-polar, with arginine, which is basic and polar, at codon 158 of the HOXB13 protein (p.Pro158Arg). This variant is not present in population databases (gnomAD no frequency). This variant has not been reported in the literature in individuals affected with HOXB13-related conditions. ClinVar contains an entry for this variant (Variation ID: 825135). Invitae Evidence Modeling of protein sequence and biophysical properties (such as structural, functional, and spatial information, amino acid conservation, physicochemical variation, residue mobility, and thermodynamic stability) indicates that this missense variant is not expected to disrupt HOXB13 protein function with a negative predictive value of 80%. In summary, the available evidence is currently insufficient to determine the role of this variant in disease. Therefore, it has been classified as a Variant of Uncertain Significance.

GeneDx
Classification: Uncertain significance. Last evaluated: 2022-06-08. Review status: criteria provided, single submitter. Criteria: GeneDx Variant Classification Process June 2021. Collection method: clinical testing. Allele origin: germline. Affected: yes.
Comment: Not observed at significant frequency in large population cohorts (gnomAD); In silico analysis supports that this missense variant has a deleterious effect on protein structure/function; Has not been previously published as pathogenic or benign to our knowledge